The following is an entry in ClinVar:

ClinVar aggregate classification (germline): Pathogenic. Review status: criteria provided, multiple submitters, no conflicts (2 of 4 stars). 2 submissions from 2 submitters: Pathogenic (2). Last evaluated 2025-06-27.

Conditions:
Birt-Hogg-Dube syndrome 1 (BHD1). Also called: FIBROFOLLICULOMAS WITH TRICHODISCOMAS AND ACROCHORDONS. Identifiers: Orphanet 122, MedGen CN375946, MONDO:0800445, OMIM 135150.
Birt-Hogg-Dube syndrome. Also called: Birt Hogg Dubé syndrome. Identifiers: Orphanet 122, MedGen C0346010, MONDO:0800444.

Submissions (2):

Myriad Genetics, Inc.
Classification: Pathogenic for Birt-Hogg-Dube syndrome 1. Last evaluated: 2025-06-27. Review status: criteria provided, single submitter. Criteria: Myriad Autosomal Dominant, Autosomal Recessive and X-Linked Classification Criteria (2023). Collection method: clinical testing. Allele origin: unknown.
Comment: This variant is considered pathogenic. This variant creates a frameshift predicted to result in premature protein truncation.

Labcorp Genetics (formerly Invitae), Labcorp
Classification: Pathogenic for Birt-Hogg-Dube syndrome. Last evaluated: 2023-08-14. Review status: criteria provided, single submitter. Criteria: Invitae Variant Classification Sherloc (09022015). Collection method: clinical testing. Allele origin: germline.
Comment: For these reasons, this variant has been classified as Pathogenic. This premature translational stop signal has been observed in individual(s) with Birt-Hogg-Dube syndrome (PMID: 22146830, 28869776). Information on the frequency of this variant in the gnomAD database is not available, as this variant may be reported differently in the database. This sequence change creates a premature translational stop signal (p.His442Thrfs*14) in the FLCN gene. It is expected to result in an absent or disrupted protein product. Loss-of-function variants in FLCN are known to be pathogenic (PMID: 15852235).

Literature cited by the submitters: PubMed 22146830 (cited by Labcorp Genetics (formerly Invitae), Labcorp); PubMed 28869776 (cited by Labcorp Genetics (formerly Invitae), Labcorp); PubMed 15852235 (cited by Labcorp Genetics (formerly Invitae), Labcorp).

NM_144997.7(FLCN):c.1323delinsGA (p.His442fs)

Gene: FLCN (folliculin; minus strand). Cytogenetic location: 17p11.2.
Variant type: Indel.
Coding change: c.1323delinsGA on transcript NM_144997.7 (MANE Select); coding-DNA position 1323, C replaced by GA.
Protein change: p.His442fs; shifts the reading frame from histidine 442.
Molecular consequence: frameshift variant.
Genome position (GRCh38, 1-based): chr17:17,215,294, G replaced by TC on the plus strand (C replaced by GA on the coding strand, the reverse complement: FLCN is on the minus strand). VCF-style: chr17-17215294-G-TC. GRCh37 (hg19) VCF-style: chr17-17118608-G-TC.
Other names: c.1377delinsGA, p.His460fs (NM_001353229.2); c.1323delinsGA, p.His442fs (NM_001353230.2, NM_001353231.2); short protein forms H460fs, H442fs.
Identifiers: ClinVar variation 242379 (VCV000242379.5), dbSNP rs878854341, ClinGen allele CA10584000.